The following is an entry in ClinVar:

NM_032043.3(BRIP1):c.757C>T (p.His253Tyr)

Gene: BRIP1 (BRCA1 interacting DNA helicase 1; minus strand). Cytogenetic location: 17q23.2.
Variant type: single nucleotide variant.
Coding change: c.757C>T on transcript NM_032043.3 (MANE Select); coding-DNA position 757, C replaced by T.
Protein change: p.His253Tyr; replaces histidine 253 with tyrosine.
Molecular consequence: missense variant.
Genome position (GRCh38, 1-based): chr17:61,808,628, G>A on the plus strand (C>T on the coding strand, the complement: BRIP1 is on the minus strand). VCF-style: chr17-61808628-G-A. GRCh37 (hg19) VCF-style: chr17-59885989-G-A.
Other names: short protein forms H253Y.
Identifiers: ClinVar variation 4783560 (VCV004783560.1).
Genomic context (GRCh38, chr17:61,808,628, plus strand): 5'-TTGGAACCCCTGAATATGCCGTCCTCCGGAGCTCTCTAGTAATCTGAGCAATCTGCTTGT[G>A]TGTGCGTGTCCCAAAATATATTTTGGGTATCTTGGATTTCCCTGTATGATCCTTCTTAAT-3'
Protein context (NP_114432.2, residues 243-263): IPKIYFGTRT[His253Tyr]KQIAQITREL

ClinVar aggregate classification (germline): Uncertain significance (1 of 4 stars; one submission).

Conditions:
Fanconi anemia complementation group J. Also called: BRIP1-Related Fanconi Anemia. Identifiers: Orphanet 84, MedGen C1836860, MONDO:0012187, OMIM 609054.
Familial cancer of breast. Also called: Hereditary breast cancer; hereditary breast carcinoma; BREAST CANCER, FAMILIAL. Identifiers: Orphanet 227535, MedGen C0346153, MONDO:0016419, OMIM 114480. Disease mechanism: loss of function.

Submission:

Labcorp Genetics (formerly Invitae), Labcorp
Classification: Uncertain significance for Familial cancer of breast; Fanconi anemia complementation group J. Last evaluated: 2025-08-03. Review status: criteria provided, single submitter. Criteria: Invitae Variant Classification Sherloc (09022015). Collection method: clinical testing. Allele origin: germline.
Comment: This sequence change replaces histidine, which is basic and polar, with tyrosine, which is neutral and polar, at codon 253 of the BRIP1 protein (p.His253Tyr). This variant is not present in population databases (gnomAD no frequency). This variant has not been reported in the literature in individuals affected with BRIP1-related conditions. Invitae Evidence Modeling of protein sequence and biophysical properties (such as structural, functional, and spatial information, amino acid conservation, physicochemical variation, residue mobility, and thermodynamic stability) has been performed for this missense variant. However, the output from this modeling did not meet the statistical confidence thresholds required to predict the impact of this variant on BRIP1 protein function. In summary, the available evidence is currently insufficient to determine the role of this variant in disease. Therefore, it has been classified as a Variant of Uncertain Significance.